The following is an entry in ClinVar:

NM_000051.4(ATM):c.1926A>T (p.Glu642Asp)

Gene: ATM (ATM serine/threonine kinase; plus strand). Cytogenetic location: 11q22.3.
Variant type: single nucleotide variant.
Coding change: c.1926A>T on transcript NM_000051.4 (MANE Select); coding-DNA position 1926, A replaced by T.
Protein change: p.Glu642Asp; replaces glutamic acid 642 with aspartic acid.
Molecular consequence: missense variant.
Genome position (GRCh38, 1-based): chr11:108,253,841, A>T. VCF-style: chr11-108253841-A-T. GRCh37 (hg19) VCF-style: chr11-108124568-A-T.
Other names: c.1926A>T, p.Glu642Asp (NM_001351834.2); short protein forms E642D.
Identifiers: ClinVar variation 481147 (VCV000481147.6), dbSNP rs786201469, ClinGen allele CA382536500.
Genomic context (GRCh38, chr11:108,253,841, plus strand): 5'-GGTTTATATATTAAAGATCTTACTTTCTTGAAGTGAACACCACCAAAAAGATAAAGAAGA[A>T]CTTTCATTCTCAGAAGTAGAAGAACTATTTCTTCAGACAACTTTTGACAAGATGGACTTT-3'
Protein context (NP_000042.3, residues 632-652): ECEHHQKDKE[Glu642Asp]LSFSEVEELF

ClinVar aggregate classification (germline): Uncertain significance. Review status: criteria provided, single submitter (1 of 4 stars). 2 submissions from 2 submitters: Uncertain significance (1). 1 of the submissions does not count toward it. Last evaluated 2017-04-14.

Conditions:
Hereditary cancer-predisposing syndrome. Also called: Hereditary neoplastic syndrome; Neoplastic Syndromes, Hereditary; Tumor predisposition; Hereditary Cancer Syndrome. Identifiers: Orphanet 140162, MedGen C0027672, MeSH D009386, MONDO:0015356.
Ataxia-telangiectasia syndrome (AT). Also called: LOUIS-BAR SYNDROME; Cerebello-oculocutaneous telangiectasia; Immunodeficiency with ataxia telangiectasia; AT, COMPLEMENTATION GROUP C; Ataxia-telangiectasia, complementation group D; ATAXIA-TELANGIECTASIA, COMPLEMENTATION GROUP A. Identifiers: Orphanet 100, MedGen C0004135, MONDO:0008840, OMIM 208900.

Submissions (2):

Ambry Genetics
Classification: Uncertain significance for Hereditary cancer-predisposing syndrome. Last evaluated: 2017-04-14. Review status: criteria provided, single submitter. Criteria: Ambry Variant Classification Scheme 2023. Collection method: clinical testing. Allele origin: germline.
Comment: The p.E642D variant (also known as c.1926A>T), located in coding exon 12 of the ATM gene, results from an A to T substitution at nucleotide position 1926. The glutamic acid at codon 642 is replaced by aspartic acid, an amino acid with highly similar properties. This amino acid position is highly conserved in available vertebrate species. In addition, this alteration is predicted to be tolerated by in silico analysis. Since supporting evidence is limited at this time, the clinical significance of this alteration remains unclear.

Natera, Inc.
Classification: Uncertain significance for Ataxia-telangiectasia. Last evaluated: 2021-05-05. Review status: no assertion criteria provided. Collection method: clinical testing. Allele origin: germline. Not counted in ClinVar's aggregate classification.